The following is an entry in ClinVar:

ClinVar aggregate classification (germline): Likely benign (1 of 4 stars; one submission).

Submission:

CeGaT Center for Human Genetics Tuebingen
Classification: Likely benign. Last evaluated: 2026-03-01. Review status: criteria provided, single submitter. Criteria: CeGaT Center For Human Genetics Tuebingen Variant Classification Criteria Version 2. Collection method: clinical testing. Allele origin: germline. Affected: yes. Observed: 2 variant alleles.
Comment: FMN2: BP4, BP7

NM_020066.5(FMN2):c.3174T>C (p.Leu1058=)

Gene: FMN2 (formin 2; plus strand). Cytogenetic location: 1q43.
Variant type: single nucleotide variant.
Coding change: c.3174T>C on transcript NM_020066.5 (MANE Select); coding-DNA position 3174, T replaced by C.
Protein change: p.Leu1058=; no amino-acid change (leucine 1058 retained).
Molecular consequence: synonymous variant. On other transcripts: intron variant (1).
Genome position (GRCh38, 1-based): chr1:240,207,986, T>C. VCF-style: chr1-240207986-T-C. GRCh37 (hg19) VCF-style: chr1-240371286-T-C.
Other names: c.3186T>C, p.Leu1062= (NM_001305424.2); c.1986+19724T>C (NM_001348094.2).
Identifiers: ClinVar variation 4822456 (VCV004822456.4).